The following is an entry in ClinVar:

NM_201384.3(PLEC):c.9193G>A (p.Gly3065Arg)

Gene: PLEC (plectin; minus strand). Cytogenetic location: 8q24.3.
Variant type: single nucleotide variant.
Coding change: c.9193G>A on transcript NM_201384.3 (MANE Select); coding-DNA position 9193, G replaced by A.
Protein change: p.Gly3065Arg; replaces glycine 3065 with arginine.
Molecular consequence: missense variant.
Genome position (GRCh38, 1-based): chr8:143,920,628, C>T on the plus strand (G>A on the coding strand, the complement: PLEC is on the minus strand). VCF-style: chr8-143920628-C-T. GRCh37 (hg19) VCF-style: chr8-144994796-C-T.
Other names: c.9274G>A, p.Gly3092Arg (NM_000445.5); c.5893G>A, p.Gly1965Arg (NM_001410941.1); c.9151G>A, p.Gly3051Arg (NM_201378.4); c.9127G>A, p.Gly3043Arg (NM_201379.3); c.9604G>A, p.Gly3202Arg (NM_201380.4); c.9097G>A, p.Gly3033Arg (NM_201381.3); c.9193G>A, p.Gly3065Arg (NM_201382.4); c.9205G>A, p.Gly3069Arg (NM_201383.3); short protein forms G1965R, G3033R, G3043R, G3051R, G3065R, G3069R, G3092R, G3202R.
Identifiers: ClinVar variation 2434957 (VCV002434957.5), dbSNP rs782159227, ClinGen allele CA4925044.

ClinVar aggregate classification (germline): Uncertain significance. Review status: criteria provided, multiple submitters, no conflicts (2 of 4 stars). 2 submissions from 2 submitters: Uncertain significance (2). Last evaluated 2024-11-05.

Conditions:
Epidermolysis bullosa simplex 5B, with muscular dystrophy (EBS5B). Also called: EPIDERMOLYSIS BULLOSA SIMPLEX AND LIMB-GIRDLE MUSCULAR DYSTROPHY; Epidermolysis bullosa simplex with muscular dystrophy. Identifiers: Orphanet 257, MedGen C2931072, MONDO:0009181, OMIM 226670.
Epidermolysis bullosa simplex with nail dystrophy (EBS5D). Identifiers: MedGen C4225309, MONDO:0014661, OMIM 616487.
Epidermolysis bullosa simplex 5C, with pyloric atresia (EBS5C). Also called: PLEC-Related Epidermolysis Bullosa with Pyloric Atresia; Epidermolysis bullosa simplex with pyloric atresia; PLEC1-Related Epidermolysis Bullosa with Pyloric Atresia. Identifiers: Orphanet 158684, MedGen C2677349, MONDO:0012807, OMIM 612138.
Autosomal recessive limb-girdle muscular dystrophy type 2Q (LGMDR17). Also called: MUSCULAR DYSTROPHY, LIMB-GIRDLE, AUTOSOMAL RECESSIVE 17. Identifiers: Orphanet 254361, MedGen C3150989, MONDO:0013390, OMIM 613723.
Epidermolysis bullosa simplex, Ogna type (EBS5A). Also called: EPIDERMOLYSIS BULLOSA SIMPLEX 5A, OGNA TYPE; Pidermolysis bullosa simplex 5A, Ogna type. Identifiers: Orphanet 79401, MedGen C0432317, MONDO:0007555, OMIM 131950.

Allele frequency attached by ClinVar (database versions not stated): TOPMed below 0.00001; gnomAD 0.00001; ExAC 0.00004.
gnomAD v4.1: 17 of 1,606,540 alleles (0.0011%); highest among the groups gnomAD compares: Admixed American, 0.0033%; no homozygotes.

Submissions (2):

Labcorp Genetics (formerly Invitae), Labcorp
Classification: Uncertain significance for Autosomal recessive limb-girdle muscular dystrophy type 2Q; Epidermolysis bullosa simplex, Ogna type; Epidermolysis bullosa simplex with nail dystrophy; Epidermolysis bullosa simplex 5C, with pyloric atresia; Epidermolysis bullosa simplex 5B, with muscular dystrophy. Last evaluated: 2024-11-05. Review status: criteria provided, single submitter. Criteria: Invitae Variant Classification Sherloc (09022015). Collection method: clinical testing. Allele origin: germline.
Comment: This sequence change replaces glycine, which is neutral and non-polar, with arginine, which is basic and polar, at codon 3092 of the PLEC protein (p.Gly3092Arg). This variant is present in population databases (rs782159227, gnomAD 0.007%). This variant has not been reported in the literature in individuals affected with PLEC-related conditions. ClinVar contains an entry for this variant (Variation ID: 2434957). An algorithm developed to predict the effect of missense changes on protein structure and function (PolyPhen-2) suggests that this variant is likely to be disruptive. In summary, the available evidence is currently insufficient to determine the role of this variant in disease. Therefore, it has been classified as a Variant of Uncertain Significance.

Revvity Omics, Revvity
Classification: Uncertain significance. Last evaluated: 2019-04-30. Review status: criteria provided, single submitter. Criteria: ACMG Guidelines, 2015. Collection method: clinical testing. Allele origin: germline.